The following is an entry in ClinVar:

ClinVar aggregate classification (germline): Uncertain significance. Review status: criteria provided, multiple submitters, no conflicts (2 of 4 stars). 2 submissions from 2 submitters: Uncertain significance (2). Last evaluated 2023-11-21.

Conditions:
Seizures, benign familial infantile, 3 (BFIS3). Also called: CONVULSIONS, BENIGN FAMILIAL INFANTILE, 3; Familial neonatal seizures. Identifiers: Orphanet 140927, Orphanet 306, MedGen C1843140, MONDO:0011904, OMIM 607745.
Developmental and epileptic encephalopathy, 11 (DEE11). Also called: Early infantile epileptic encephalopathy 11. Identifiers: Orphanet 1934, MedGen C3150987, MONDO:0013388, OMIM 613721.

Allele frequency attached by ClinVar (database versions not stated): gnomAD exomes below 0.00001.

Submissions (2):

GeneDx
Classification: Uncertain significance. Last evaluated: 2023-11-21. Review status: criteria provided, single submitter. Criteria: GeneDx Variant Classification Process June 2021. Collection method: clinical testing. Allele origin: germline. Affected: yes.
Comment: Not observed at significant frequency in large population cohorts (gnomAD); Missense variants in this gene are a common cause of disease and they are underrepresented in the general population; In silico analysis supports that this missense variant has a deleterious effect on protein structure/function; Has not been previously published as pathogenic or benign to our knowledge; This substitution is predicted to be within the transmembrane segment S2 of the first homologous domain

Labcorp Genetics (formerly Invitae), Labcorp
Classification: Uncertain significance for Seizures, benign familial infantile, 3; Developmental and epileptic encephalopathy, 11. Last evaluated: 2022-09-29. Review status: criteria provided, single submitter. Criteria: Invitae Variant Classification Sherloc (09022015). Collection method: clinical testing. Allele origin: germline.
Comment: In summary, the available evidence is currently insufficient to determine the role of this variant in disease. Therefore, it has been classified as a Variant of Uncertain Significance. Advanced modeling of protein sequence and biophysical properties (such as structural, functional, and spatial information, amino acid conservation, physicochemical variation, residue mobility, and thermodynamic stability) performed at Invitae indicates that this missense variant is expected to disrupt SCN2A protein function. This variant has not been reported in the literature in individuals affected with SCN2A-related conditions. This variant is present in population databases (no rsID available, gnomAD 0.006%). This sequence change replaces alanine, which is neutral and non-polar, with serine, which is neutral and polar, at codon 176 of the SCN2A protein (p.Ala176Ser).

NM_001040142.2(SCN2A):c.526G>T (p.Ala176Ser)

Gene: SCN2A (sodium voltage-gated channel alpha subunit 2; plus strand). Cytogenetic location: 2q24.3.
Variant type: single nucleotide variant.
Coding change: c.526G>T on transcript NM_001040142.2 (MANE Select); coding-DNA position 526, G replaced by T.
Protein change: p.Ala176Ser; replaces alanine 176 with serine.
Molecular consequence: missense variant.
Genome position (GRCh38, 1-based): chr2:165,308,715, G>T. VCF-style: chr2-165308715-G-T. GRCh37 (hg19) VCF-style: chr2-166165225-G-T.
Other names: c.526G>T, p.Ala176Ser (NM_001040143.2, NM_001371246.1, NM_001371247.1 and 1 more transcripts); c.526G>T (NM_021007.2); short protein forms A176S.
Identifiers: ClinVar variation 1919572 (VCV001919572.6), dbSNP rs1291889527, ClinGen allele CA349016246.
Genomic context (GRCh38, chr2:165,308,715, plus strand): 5'-TTTTCTCTCAGGTATACCTTTACAGGAATTTATACTTTTGAATCACTTATTAAAATACTT[G>T]CAAGGGGCTTTTGTTTAGAAGATTTCACATTTTTACGGGATCCATGGAATTGGTTGGATT-3'
Protein context (NP_001035232.1, residues 166-186): YTFESLIKIL[Ala176Ser]RGFCLEDFTF